The following is an entry in ClinVar:

ClinVar aggregate classification (germline): Uncertain significance (1 of 4 stars; one submission).

Conditions:
Sialuria. Also called: SIALURIA, FRENCH TYPE; Sialic Acid Storage Disease. Identifiers: Orphanet 3166, MedGen C0342853, MONDO:0010028, OMIM 269921.
GNE myopathy (NM). Also called: NONAKA DISTAL MYOPATHY; INCLUSION BODY MYOPATHY, HEREDITARY, AUTOSOMAL RECESSIVE; INCLUSION BODY MYOPATHY 2, AUTOSOMAL RECESSIVE; MYOPATHY, DISTAL, WITH OR WITHOUT RIMMED VACUOLES; IBM 2; Inclusion body myopathy autosomal recessive. Identifiers: Orphanet 602, MedGen C1853926, MONDO:0011603, OMIM 605820.

Submission:

Labcorp Genetics (formerly Invitae), Labcorp
Classification: Uncertain significance for Sialuria; GNE myopathy. Last evaluated: 2025-07-27. Review status: criteria provided, single submitter. Criteria: Invitae Variant Classification Sherloc (09022015). Collection method: clinical testing. Allele origin: germline.
Comment: This sequence change replaces alanine, which is neutral and non-polar, with threonine, which is neutral and polar, at codon 149 of the GNE protein (p.Ala149Thr). This variant is not present in population databases (gnomAD no frequency). This variant has not been reported in the literature in individuals affected with GNE-related conditions. Invitae Evidence Modeling of protein sequence and biophysical properties (such as structural, functional, and spatial information, amino acid conservation, physicochemical variation, residue mobility, and thermodynamic stability) has been performed for this missense variant. However, the output from this modeling did not meet the statistical confidence thresholds required to predict the impact of this variant on GNE protein function. In summary, the available evidence is currently insufficient to determine the role of this variant in disease. Therefore, it has been classified as a Variant of Uncertain Significance.

NM_005476.7(GNE):c.352G>A (p.Ala118Thr)

Gene: GNE (glucosamine (UDP-N-acetyl)-2-epimerase/N-acetylmannosamine kinase; minus strand). Cytogenetic location: 9p13.3.
Variant type: single nucleotide variant.
Coding change: c.352G>A on transcript NM_005476.7 (MANE Select); coding-DNA position 352, G replaced by A.
Protein change: p.Ala118Thr; replaces alanine 118 with threonine.
Molecular consequence: missense variant.
Genome position (GRCh38, 1-based): chr9:36,246,295, C>T on the plus strand (G>A on the coding strand, the complement: GNE is on the minus strand). VCF-style: chr9-36246295-C-T. GRCh37 (hg19) VCF-style: chr9-36246292-C-T.
Other names: c.445G>A, p.Ala149Thr (NM_001128227.3); c.352G>A, p.Ala118Thr (NM_001190383.3, NM_001374797.1); c.175G>A, p.Ala59Thr (NM_001190384.3, NM_001190388.2, NM_001374798.1); short protein forms A149T, A59T, A118T.
Identifiers: ClinVar variation 4791101 (VCV004791101.1).
Genomic context (GRCh38, chr9:36,246,295, plus strand): 5'-CTTCCCCACCTTCAATGTGAAGGATTCGGATGTTCATCAAGGCAGCAGATGTGGCCAGAG[C>T]CAGGGCATCAAACCTGTCTCCATGAACAATCATGATATCAGGCTTCAGGCGATTAAGGAC-3'
Protein context (NP_005467.1, residues 108-128): IVHGDRFDAL[Ala118Thr]LATSAALMNI